The following is an entry in ClinVar:

ClinVar aggregate classification (germline): Uncertain significance (1 of 4 stars; one submission).

Conditions:
Hereditary spastic paraplegia 11. Also called: Spastic paraplegia, mental retardation and thin corpus callosum; SPASTIC PARAPLEGIA, AUTOSOMAL RECESSIVE, COMPLICATED, WITH THIN CORPUS CALLOSUM; SPASTIC PARAPLEGIA, AUTOSOMAL RECESSIVE, WITH MENTAL IMPAIRMENT AND THIN CORPUS CALLOSUM; Spastic Paraplegia 11; Nakamura Osame syndrome; Autosomal recessive hereditary spastic paraplegia, mental impairment, and thin corpus callosum. Identifiers: Orphanet 2822, MedGen C1858479, MONDO:0011445, OMIM 604360.

Submission:

Labcorp Genetics (formerly Invitae), Labcorp
Classification: Uncertain significance for Hereditary spastic paraplegia 11. Last evaluated: 2021-02-09. Review status: criteria provided, single submitter. Criteria: Invitae Variant Classification Sherloc (09022015). Collection method: clinical testing. Allele origin: germline.
Comment: This sequence change replaces glutamine with histidine at codon 862 of the SPG11 protein (p.Gln862His). The glutamine residue is highly conserved and there is a small physicochemical difference between glutamine and histidine. In summary, the available evidence is currently insufficient to determine the role of this variant in disease. Therefore, it has been classified as a Variant of Uncertain Significance. Algorithms developed to predict the effect of missense changes on protein structure and function are either unavailable or do not agree on the potential impact of this missense change (SIFT: "Tolerated"; PolyPhen-2: "Possibly Damaging"; Align-GVGD: "Class C0"). This variant has not been reported in the literature in individuals with SPG11-related conditions. This variant is not present in population databases (ExAC no frequency).

NM_025137.4(SPG11):c.2586A>C (p.Gln862His)

Gene: SPG11 (SPG11 vesicle trafficking associated, spatacsin; minus strand). Cytogenetic location: 15q21.1.
Variant type: single nucleotide variant.
Coding change: c.2586A>C on transcript NM_025137.4 (MANE Select); coding-DNA position 2586, A replaced by C.
Protein change: p.Gln862His; replaces glutamine 862 with histidine.
Molecular consequence: missense variant.
Genome position (GRCh38, 1-based): chr15:44,621,793, T>G on the plus strand (A>C on the coding strand, the complement: SPG11 is on the minus strand). VCF-style: chr15-44621793-T-G. GRCh37 (hg19) VCF-style: chr15-44913991-T-G.
Other names: c.2586A>C, p.Gln862His (NM_001160227.2); short protein forms Q862H.
Identifiers: ClinVar variation 1508682 (VCV001508682.8), dbSNP rs533427143, ClinGen allele CA392231462.